The following is an entry in ClinVar:

ClinVar aggregate classification (germline): Uncertain significance (1 of 4 stars; one submission).

Conditions:
Inborn genetic diseases. Identifiers: MedGen C0950123, MeSH D030342.

Submission:

Ambry Genetics
Classification: Uncertain significance for Inborn genetic diseases. Last evaluated: 2026-08-11. Review status: criteria provided, single submitter. Criteria: Ambry Variant Classification Scheme 2023. Collection method: clinical testing. Allele origin: germline.
Comment: The p.P404S variant (also known as c.1210C>T), located in coding exon 14 of the RTEL1 gene, results from a C to T substitution at nucleotide position 1210. The proline at codon 404 is replaced by serine, an amino acid with similar properties. This amino acid position is conserved. In addition, this alteration is predicted to be tolerated by in silico analysis. Based on the available evidence, the clinical significance of this variant remains unclear.

NM_001283009.2(RTEL1):c.1210C>T (p.Pro404Ser)

Genes: RTEL1 (regulator of telomere elongation helicase 1; plus strand), RTEL1-TNFRSF6B (RTEL1-TNFRSF6B readthrough (NMD candidate); plus strand). Cytogenetic location: 20q13.33.
Variant type: single nucleotide variant.
Coding change: c.1210C>T on transcript NM_001283009.2 (MANE Select); coding-DNA position 1210, C replaced by T.
Protein change: p.Pro404Ser; replaces proline 404 with serine.
Molecular consequence: missense variant. On other transcripts: non-coding transcript variant (1).
Genome position (GRCh38, 1-based): chr20:63,685,541, C>T. VCF-style: chr20-63685541-C-T. GRCh37 (hg19) VCF-style: chr20-62316894-C-T.
Other names: c.541C>T, p.Pro181Ser (NM_001283010.1); c.1210C>T, p.Pro404Ser (NM_016434.4); c.1282C>T, p.Pro428Ser (NM_032957.5); short protein forms P181S, P428S, P404S.
Identifiers: ClinVar variation 5028507 (VCV005028507.1).